The following is an entry in ClinVar:

ClinVar aggregate classification (germline): Uncertain significance (1 of 4 stars; one submission).

Conditions:
Intellectual developmental disorder, X-linked 30. Also called: MENTAL RETARDATION, X-LINKED 47; Intellectual disability, X-linked 30. Identifiers: Orphanet 777, MedGen C0796237, MONDO:0010361, OMIM 300558.

Allele frequency attached by ClinVar (database versions not stated): gnomAD exomes below 0.00001.
gnomAD v4.1: 1 of 1,182,868 alleles (0.000085%); highest among the groups gnomAD compares: Non-Finnish European, 0.00012%; no homozygotes.

Submission:

MVZ Medizinische Genetik Mainz
Classification: Uncertain significance for Intellectual developmental disorder, X-linked 30. Last evaluated: 2022-04-14. Review status: criteria provided, single submitter. Criteria: UK Practice Guidelines For Variant Classification V4 01 2020. Collection method: clinical testing. Allele origin: germline. Inheritance: Unknown mechanism. Affected: yes. Observed: 1 variant allele.
Comment: PM1_SUP, PM2_SUP, PP2

NM_002578.5(PAK3):c.1448A>G (p.Gln483Arg)

Gene: PAK3 (p21 (RAC1) activated kinase 3; plus strand). Cytogenetic location: Xq23.
Variant type: single nucleotide variant.
Coding change: c.1448A>G on transcript NM_002578.5 (MANE Select); coding-DNA position 1448, A replaced by G.
Protein change: p.Gln483Arg; replaces glutamine 483 with arginine.
Molecular consequence: missense variant. On other transcripts: non-coding transcript variant (2).
Genome position (GRCh38, 1-based): chrX:111,216,461, A>G. VCF-style: chrX-111216461-A-G. GRCh37 (hg19) VCF-style: chrX-110459689-A-G.
Other names: c.1448A>G, p.Gln483Arg (NM_001128166.3, NM_001128167.3, NM_001324325.2 and 5 more transcripts); c.1556A>G, p.Gln519Arg (NM_001128168.3); c.1511A>G, p.Gln504Arg (NM_001128172.2); c.1493A>G, p.Gln498Arg (NM_001128173.3, NM_001324327.2, NM_001324328.2 and 2 more transcripts); short protein forms Q483R, Q498R, Q504R, Q519R.
Identifiers: ClinVar variation 3061914 (VCV003061914.1), dbSNP rs2524489020, ClinGen allele CA414241934.